The following is an entry in ClinVar:

ClinVar aggregate classification (germline): Pathogenic (1 of 4 stars; one submission).

Conditions:
Familial hemophagocytic lymphohistiocytosis 4 (FHL4). Also called: STX11-Related Familial Hemophagocytic Lymphohistiocytosis (STX11-fHLH). Identifiers: Orphanet 540, MedGen C1863728, MONDO:0011336, OMIM 603552.

Submission:

Labcorp Genetics (formerly Invitae), Labcorp
Classification: Pathogenic for Familial hemophagocytic lymphohistiocytosis 4. Last evaluated: 2025-11-24. Review status: criteria provided, single submitter. Criteria: Invitae Variant Classification Sherloc (09022015). Collection method: clinical testing. Allele origin: germline.
Comment: This sequence change creates a premature translational stop signal (p.Ala200Glyfs*42) in the STX11 gene. While this is not anticipated to result in nonsense mediated decay, it is expected to disrupt the last 88 amino acid(s) of the STX11 protein. This variant is present in population databases (rs758032054, gnomAD 0.006%). This variant has not been reported in the literature in individuals affected with STX11-related conditions. Algorithms developed to predict the effect of sequence changes on RNA splicing suggest that this variant may create or strengthen a splice site. This variant disrupts a region of the STX11 protein in which other variant(s) (p.Gln268*) have been determined to be pathogenic (PMID: 16582076, 17525286). This suggests that this is a clinically significant region of the protein, and that variants that disrupt it are likely to be disease-causing. For these reasons, this variant has been classified as Pathogenic.

Literature cited by the submitters: PubMed 16582076; PubMed 17525286.

NM_003764.4(STX11):c.599_602del (p.Ala200fs)

Gene: STX11 (syntaxin 11; plus strand). Cytogenetic location: 6q24.2.
Variant type: Microsatellite.
Coding change: c.599_602del on transcript NM_003764.4 (MANE Select); coding-DNA positions 599 to 602, 4 bases deleted (CGCG; older notation c.599_602delCGCG).
Protein change: p.Ala200fs; shifts the reading frame from alanine 200.
Molecular consequence: frameshift variant.
Genome position (GRCh38, 1-based): chr6:144,187,226-144,187,229, CGCG deleted; deleting any 4 consecutive bases within chr6:144,187,223-144,187,229 gives the same sequence; the c. name uses the placement nearest the transcript's 3' end. VCF-style (leftmost placement, unchanged base first): chr6-144187222-GGCGC-G. GRCh37 (hg19) VCF-style: chr6-144508359-GGCGC-G.
Other names: short protein forms A200fs.
Identifiers: ClinVar variation 1455186 (VCV001455186.8), dbSNP rs758032054, ClinGen allele CA4031740.
Genomic context (GRCh38, chr6:144,187,222, plus strand): 5'-GACATGTTCGAGCAGGGTAAGTGGGACGTGTTTTCCGAGAACTTGCTGGCCGACGTGAAG[GGCGC>G]GCGGGCCGCCCTCAACGAGATCGAGAGCCGCCACCGCGAACTGCTGCGCCTGGAGAGCCG-3'